The following is an entry in ClinVar:

ClinVar aggregate classification (germline): Uncertain significance (1 of 4 stars; one submission).

Conditions:
Inborn genetic diseases. Identifiers: MedGen C0950123, MeSH D030342.

Submission:

Ambry Genetics
Classification: Uncertain significance for Inborn genetic diseases. Last evaluated: 2025-09-20. Review status: criteria provided, single submitter. Criteria: Ambry Variant Classification Scheme 2023. Collection method: clinical testing. Allele origin: germline.
Comment: The p.R477K variant (also known as c.1430G>A), located in coding exon 9 of the ERCC6L2 gene, results from a G to A substitution at nucleotide position 1430. The arginine at codon 477 is replaced by lysine, an amino acid with highly similar properties. This amino acid position is conserved. In addition, this alteration is predicted to be tolerated by in silico analysis. Based on the available evidence, the clinical significance of this variant remains unclear.

NM_020207.7(ERCC6L2):c.1430G>A (p.Arg477Lys)

Gene: ERCC6L2 (ERCC excision repair 6 like 2; plus strand). Cytogenetic location: 9q22.32.
Variant type: single nucleotide variant.
Coding change: c.1430G>A on transcript NM_020207.7 (MANE Select); coding-DNA position 1430, G replaced by A.
Protein change: p.Arg477Lys; replaces arginine 477 with lysine.
Molecular consequence: missense variant. On other transcripts: non-coding transcript variant (1).
Genome position (GRCh38, 1-based): chr9:95,923,276, G>A. VCF-style: chr9-95923276-G-A. GRCh37 (hg19) VCF-style: chr9-98685558-G-A.
Other names: c.1430G>A, p.Arg477Lys (NM_001010895.4, NM_001375291.1, NM_001375292.1 and 2 more transcripts); short protein forms R477K.
Identifiers: ClinVar variation 4618704 (VCV004618704.1).
Genomic context (GRCh38, chr9:95,923,276, plus strand): 5'-TGTGTTAAGTGGAAATATCTTTTCTTCTGCCTTTTCCCTTCAAGGAAACACTTATCAAAA[G>A]GATATGTGATCAGGTATTTTCCAGATTCCCAGATTTTGTGCAGAAAAGCAAAGATGCAGC-3'
Protein context (NP_064592.3, residues 467-487): TSKQQETLIK[Arg477Lys]ICDQVFSRFP